The following is an entry in ClinVar:

NM_015271.5(TRIM2):c.367A>T (p.Ser123Cys)

Gene: TRIM2 (tripartite motif containing 2; plus strand). Cytogenetic location: 4q31.3.
Variant type: single nucleotide variant.
Coding change: c.367A>T on transcript NM_015271.5 (MANE Select); coding-DNA position 367, A replaced by T.
Protein change: p.Ser123Cys; replaces serine 123 with cysteine.
Molecular consequence: missense variant. On other transcripts: 5 prime UTR variant (1).
Genome position (GRCh38, 1-based): chr4:153,276,044, A>T. VCF-style: chr4-153276044-A-T. GRCh37 (hg19) VCF-style: chr4-154197196-A-T.
Other names: c.286A>T, p.Ser96Cys (NM_001130067.2, NM_001351056.2, NM_001375512.1 and 5 more transcripts); c.367A>T, p.Ser123Cys (NM_001302692.2, NM_001375488.1, NM_001375490.1 and 1 more transcripts); c.364A>T, p.Ser122Cys (NM_001302693.2, NM_001375489.1, NM_001375491.1 and 1 more transcripts); c.340A>T, p.Ser114Cys (NM_001302694.2, NM_001351054.2); c.337A>T, p.Ser113Cys (NM_001351055.2); c.-191A>T (NM_001351057.2); c.28A>T, p.Ser10Cys (NM_001375522.1, NM_001375523.1, NM_001375525.1); short protein forms S122C, S96C, S113C, S10C, S114C, S123C.
Identifiers: ClinVar variation 843636 (VCV000843636.7), dbSNP rs778183525, ClinGen allele CA3108510.

ClinVar aggregate classification (germline): Uncertain significance (1 of 4 stars; one submission).

Conditions:
Charcot-Marie-Tooth disease type 2R. Also called: CHARCOT-MARIE-TOOTH DISEASE, AXONAL, AUTOSOMAL RECESSIVE, TYPE 2R; CHARCOT-MARIE-TOOTH NEUROPATHY, TYPE 2R; Charcot-Marie-Tooth disease, axonal, type 2R. Identifiers: Orphanet 397968, MedGen C3809655, MONDO:0014208, OMIM 615490.

Allele frequency attached by ClinVar (database versions not stated): gnomAD 0.00001; TOPMed 0.00003; ExAC 0.00001; gnomAD exomes below 0.00001 and 0.00002.
gnomAD v4.1: 8 of 1,614,138 alleles (0.0005%); highest among the groups gnomAD compares: East Asian, 0.016%; no homozygotes.

Submission:

Labcorp Genetics (formerly Invitae), Labcorp
Classification: Uncertain significance for Charcot-Marie-Tooth disease type 2R. Last evaluated: 2024-08-01. Review status: criteria provided, single submitter. Criteria: Invitae Variant Classification Sherloc (09022015). Collection method: clinical testing. Allele origin: germline.
Comment: This sequence change replaces serine, which is neutral and polar, with cysteine, which is neutral and slightly polar, at codon 96 of the TRIM2 protein (p.Ser96Cys). This variant is present in population databases (rs778183525, gnomAD 0.02%). This variant has not been reported in the literature in individuals affected with TRIM2-related conditions. ClinVar contains an entry for this variant (Variation ID: 843636). An algorithm developed to predict the effect of missense changes on protein structure and function (PolyPhen-2) suggests that this variant is likely to be tolerated. In summary, the available evidence is currently insufficient to determine the role of this variant in disease. Therefore, it has been classified as a Variant of Uncertain Significance.